The following is an entry in ClinVar:

NM_005477.3(HCN4):c.2470A>G (p.Arg824Gly)

Gene: HCN4 (hyperpolarization activated cyclic nucleotide gated potassium channel 4; minus strand). Cytogenetic location: 15q24.1.
Variant type: single nucleotide variant.
Coding change: c.2470A>G on transcript NM_005477.3 (MANE Select); coding-DNA position 2470, A replaced by G.
Protein change: p.Arg824Gly; replaces arginine 824 with glycine.
Molecular consequence: missense variant.
Genome position (GRCh38, 1-based): chr15:73,323,623, T>C on the plus strand (A>G on the coding strand, the complement: HCN4 is on the minus strand). VCF-style: chr15-73323623-T-C. GRCh37 (hg19) VCF-style: chr15-73615964-T-C.
Other names: short protein forms R824G.
Identifiers: ClinVar variation 843999 (VCV000843999.7), dbSNP rs1404251013, ClinGen allele CA393088835.

ClinVar aggregate classification (germline): Uncertain significance (1 of 4 stars; one submission).

Conditions:
Brugada syndrome 8 (BRGDA8). Identifiers: Orphanet 130, MedGen C2751083, MONDO:0013148, OMIM 613123.

Allele frequency attached by ClinVar (database versions not stated): gnomAD 0.00001.
gnomAD v4.1: 4 of 1,600,154 alleles (0.00025%); highest among the groups gnomAD compares: Non-Finnish European, 0.00034%; no homozygotes.

Submission:

Labcorp Genetics (formerly Invitae), Labcorp
Classification: Uncertain significance for Brugada syndrome 8. Last evaluated: 2020-12-08. Review status: criteria provided, single submitter. Criteria: Invitae Variant Classification Sherloc (09022015). Collection method: clinical testing. Allele origin: germline.
Comment: In summary, the available evidence is currently insufficient to determine the role of this variant in disease. Therefore, it has been classified as a Variant of Uncertain Significance. This variant has not been reported in the literature in individuals with HCN4-related conditions. This variant is not present in population databases (ExAC no frequency). This sequence change replaces arginine with glycine at codon 824 of the HCN4 protein (p.Arg824Gly). The arginine residue is highly conserved and there is a moderate physicochemical difference between arginine and glycine.